The following is an entry in ClinVar:

ClinVar aggregate classification (germline): Pathogenic (1 of 4 stars; one submission).

Conditions:
Renal carnitine transport defect (CDSP). Also called: CARNITINE DEFICIENCY, SYSTEMIC, DUE TO DEFECT IN RENAL REABSORPTION OF CARNITINE; CARNITINE TRANSPORTER, PLASMA-MEMBRANE, DEFICIENCY OF; CARNITINE UPTAKE DEFECT; Carnitine transporter deficiency; Carnitine Deficiency, Systemic; Systemic primary carnitine deficiency. Identifiers: Orphanet 158, MedGen C0342788, MONDO:0008919, OMIM 212140.

Submission:

Labcorp Genetics (formerly Invitae), Labcorp
Classification: Pathogenic for Renal carnitine transport defect. Last evaluated: 2020-11-17. Review status: criteria provided, single submitter. Criteria: Invitae Variant Classification Sherloc (09022015). Collection method: clinical testing. Allele origin: germline.
Comment: For these reasons, this variant has been classified as Pathogenic. This variant has not been reported in the literature in individuals with SLC22A5-related conditions. This variant is not present in population databases (ExAC no frequency). This sequence change creates a premature translational stop signal (p.Glu279*) in the SLC22A5 gene. It is expected to result in an absent or disrupted protein product. Loss-of-function variants in SLC22A5 are known to be pathogenic (PMID: 9916797).

Literature cited by the submitters: PubMed 9916797.

NM_003060.4(SLC22A5):c.835G>T (p.Glu279Ter)

Gene: SLC22A5 (solute carrier family 22 member 5; plus strand). Cytogenetic location: 5q31.1.
Variant type: single nucleotide variant.
Coding change: c.835G>T on transcript NM_003060.4 (MANE Select); coding-DNA position 835, G replaced by T.
Protein change: p.Glu279Ter; replaces glutamic acid 279 with a stop codon.
Molecular consequence: nonsense.
Genome position (GRCh38, 1-based): chr5:132,387,035, G>T. VCF-style: chr5-132387035-G-T. GRCh37 (hg19) VCF-style: chr5-131722727-G-T.
Other names: c.907G>T, p.Glu303Ter (NM_001308122.2); short protein forms E303*, E279*.
Identifiers: ClinVar variation 1432590 (VCV001432590.6), dbSNP rs2126785892, ClinGen allele CA360805522.